The following is an entry in ClinVar:

ClinVar aggregate classification (germline): Pathogenic. Review status: criteria provided, multiple submitters, no conflicts (2 of 4 stars). 4 submissions from 4 submitters: Pathogenic (4). Last evaluated 2025-07-21.

Conditions:
Mitochondrial complex II deficiency, nuclear type 1. Also called: SUCCINATE CoQ REDUCTASE DEFICIENCY. Identifiers: Orphanet 3208, MedGen C5700310, MONDO:0100294, OMIM 252011.
Pheochromocytoma/paraganglioma syndrome 5. Also called: Paragangliomas 5; SDHA-Related Hereditary Paraganglioma-Pheochromocytoma Syndrome. Identifiers: Orphanet 29072, MedGen C3279992, MONDO:0013602, OMIM 614165.
Hereditary cancer-predisposing syndrome. Also called: Neoplastic Syndromes, Hereditary; Hereditary Cancer Syndrome; Hereditary neoplastic syndrome; Tumor predisposition. Identifiers: Orphanet 140162, MedGen C0027672, MeSH D009386, MONDO:0015356.
SDHA-related disorder. Also called: SDHA-related condition; SDHA-related disorders.

gnomAD v4.1: 1 of 1,455,494 alleles (0.000069%); highest among the groups gnomAD compares: South Asian, 0.0014%; no homozygotes.

Submissions (4):

Women's Health and Genetics/Laboratory Corporation of America, LabCorp
Classification: Pathogenic for SDHA-Related Disorders. Last evaluated: 2025-07-21. Review status: criteria provided, single submitter. Criteria: LabCorp Variant Classification Summary - May 2015. Collection method: clinical testing. Allele origin: germline.
Comment: Variant summary: SDHA c.23C>A (p.Ser8X) results in a premature termination codon, predicted to cause a truncation of the encoded protein or absence of the protein due to nonsense mediated decay, which are commonly known mechanisms for disease. The variant was absent in 111128 control chromosomes (gnomAD). To our knowledge, no occurrence of c.23C>A in individuals affected with SDHA-Related Disorders and no experimental evidence demonstrating its impact on protein function have been reported. ClinVar contains an entry for this variant (Variation ID: 1451165). Based on the evidence outlined above, the variant was classified as pathogenic.

Labcorp Genetics (formerly Invitae), Labcorp
Classification: Pathogenic for Pheochromocytoma/paraganglioma syndrome 5; Mitochondrial complex II deficiency, nuclear type 1. Last evaluated: 2024-12-17. Review status: criteria provided, single submitter. Criteria: Invitae Variant Classification Sherloc (09022015). Collection method: clinical testing. Allele origin: germline.
Comment: This sequence change creates a premature translational stop signal (p.Ser8*) in the SDHA gene. It is expected to result in an absent or disrupted protein product. Loss-of-function variants in SDHA are known to be pathogenic (PMID: 22974104, 24781757). This variant is not present in population databases (gnomAD no frequency). This variant has not been reported in the literature in individuals affected with SDHA-related conditions. ClinVar contains an entry for this variant (Variation ID: 1451165). For these reasons, this variant has been classified as Pathogenic.

Myriad Genetics, Inc.
Classification: Pathogenic for Pheochromocytoma/paraganglioma syndrome 5. Last evaluated: 2024-08-06. Review status: criteria provided, single submitter. Criteria: Myriad Autosomal Dominant, Autosomal Recessive and X-Linked Classification Criteria (2023). Collection method: clinical testing. Allele origin: unknown.
Comment: This variant is considered pathogenic. This variant creates a termination codon and is predicted to result in premature protein truncation.

Ambry Genetics
Classification: Pathogenic for Hereditary cancer-predisposing syndrome. Last evaluated: 2023-03-20. Review status: criteria provided, single submitter. Criteria: Ambry Variant Classification Scheme 2023. Collection method: clinical testing. Allele origin: germline.
Comment: The p.S8* pathogenic mutation (also known as c.23C>A), located in coding exon 1 of the SDHA gene, results from a C to A substitution at nucleotide position 23. This changes the amino acid from a serine to a stop codon within coding exon 1. This alteration is expected to result in loss of function by premature protein truncation or nonsense-mediated mRNA decay. As such, this alteration is interpreted as a disease-causing mutation.

Literature cited by the submitters: PubMed 22974104 (cited by Labcorp Genetics (formerly Invitae), Labcorp); PubMed 24781757 (cited by Labcorp Genetics (formerly Invitae), Labcorp).

NM_004168.4(SDHA):c.23C>A (p.Ser8Ter)

Gene: SDHA (succinate dehydrogenase complex flavoprotein subunit A; plus strand). Cytogenetic location: 5p15.33.
Variant type: single nucleotide variant.
Coding change: c.23C>A on transcript NM_004168.4 (MANE Select); coding-DNA position 23, C replaced by A.
Protein change: p.Ser8Ter; replaces serine 8 with a stop codon.
Molecular consequence: nonsense.
Genome position (GRCh38, 1-based): chr5:218,378, C>A. VCF-style: chr5-218378-C-A. GRCh37 (hg19) VCF-style: chr5-218493-C-A.
Other names: c.23C>A, p.Ser8Ter (NM_001330758.2, NM_001294332.2); c.23C>A (NM_004168.2); short protein forms S8*.
Identifiers: ClinVar variation 1451165 (VCV001451165.10), dbSNP rs878854631, ClinGen allele CA359007295.
Genomic context (GRCh38, chr5:218,378, plus strand): 5'-GCAGGGACTGGCGGGACTGCGCGGCGGCAACAGCAGACATGTCGGGGGTCCGGGGCCTGT[C>A]GCGGCTGCTGAGCGCTCGGCGCCTGGCGCTGGCCAAGGCGGTGAGTCCGTGCCGCGGACC-3'